The following is an entry in ClinVar:

ClinVar aggregate classification (germline): Conflicting classifications of pathogenicity. Review status: criteria provided, conflicting classifications (1 of 4 stars). 8 submissions from 8 submitters: Uncertain significance (7); Likely benign (1). Last evaluated 2026-09-04.

Conditions:
TTN-related disorder. Also called: TTN-related disorders; TTN-related condition; TTN-related disease.
Cardiovascular phenotype. Identifiers: MedGen CN230736.
Dilated cardiomyopathy 1G (CMD1G). Identifiers: Orphanet 154, MedGen C1858763, MONDO:0011400, OMIM 604145.
Autosomal recessive limb-girdle muscular dystrophy type 2J (LGMDR10). Also called: Limb-girdle muscular dystrophy, type 2J; MUSCULAR DYSTROPHY, LIMB-GIRDLE, AUTOSOMAL RECESSIVE 10. Identifiers: Orphanet 140922, MedGen C1837342, MONDO:0012127, OMIM 608807.

Allele frequency attached by ClinVar (database versions not stated): TOPMed 0.00001.
gnomAD v4.1: 10 of 1,612,470 alleles (0.00062%); highest among the groups gnomAD compares: Admixed American, 0.005%; no homozygotes.

Submissions (8):

PreventionGenetics, part of Exact Sciences
Classification: Uncertain significance for TTN-related condition. Last evaluated: 2026-09-04. Review status: criteria provided, single submitter. Criteria: ACMG Guidelines, 2015. Collection method: clinical testing. Allele origin: germline.
Comment: The TTN c.48557G>T variant is predicted to result in the amino acid substitution p.Arg16186Leu. To our knowledge, this variant has not been reported in the literature. This variant is reported in 0.0056% of alleles in individuals of East Asian descent in gnomAD. At this time, the clinical significance of this variant is uncertain due to the absence of conclusive functional and genetic evidence.

Blueprint Genetics
Classification: Likely benign. Last evaluated: 2024-11-19. Review status: criteria provided, single submitter. Criteria: ACMG Guidelines, 2015. Collection method: clinical testing. Allele origin: germline.

Ambry Genetics
Classification: Uncertain significance for Cardiovascular phenotype. Last evaluated: 2020-06-15. Review status: criteria provided, single submitter. Criteria: Ambry Variant Classification Scheme 2023. Collection method: clinical testing. Allele origin: germline.
Comment: The p.R7121L variant (also known as c.21362G>T), located in coding exon 86 of the TTN gene, results from a G to T substitution at nucleotide position 21362. The arginine at codon 7121 is replaced by leucine, an amino acid with dissimilar properties. This amino acid position is well conserved in available vertebrate species. In addition, this alteration is predicted to be tolerated by in silico analysis. Since supporting evidence is limited at this time, the clinical significance of this alteration remains unclear.

Revvity Omics, Revvity
Classification: Uncertain significance. Last evaluated: 2019-09-03. Review status: criteria provided, single submitter. Criteria: ACMG Guidelines, 2015. Collection method: clinical testing. Allele origin: germline.

ARUP Laboratories, Molecular Genetics and Genomics, ARUP Laboratories
Classification: Uncertain significance. Last evaluated: 2018-03-20. Review status: criteria provided, single submitter. Criteria: ARUP Molecular Germline Variant Investigation Process. Collection method: clinical testing. Allele origin: germline.
Comment: The TTN c.40853G>T; p.Arg13618Leu variant is rare in the general population (<1% allele frequency in the Genome Aggregation Database) and has not been reported in the medical literature in association with dilated cardiomyopathy (DCM) or other TTN-related disease. The clinical relevance of rare missense variants in this gene, which are identified on average once per individual sequenced in affected populations (Herman 2012), is not well understood. While the clinical significance of such variants is considered uncertain, evidence suggests that the vast majority of missense variants do not contribute to the clinical outcome of DCM (Begay 2015). Given the available evidence, the clinical significance of the p.Arg13618Leu variant cannot be determined with certainty.

Labcorp Genetics (formerly Invitae), Labcorp
Classification: Uncertain significance for Dilated cardiomyopathy 1G; Autosomal recessive limb-girdle muscular dystrophy type 2J. Last evaluated: 2018-01-02. Review status: criteria provided, single submitter. Criteria: Invitae Variant Classification Sherloc (09022015). Collection method: clinical testing. Allele origin: germline.

Athena Diagnostics
Classification: Uncertain significance. Last evaluated: 2017-09-12. Review status: criteria provided, single submitter. Criteria: Athena Diagnostics Criteria. Collection method: clinical testing. Allele origin: germline.

Laboratory for Molecular Medicine, Mass General Brigham Personalized Medicine
Classification: Uncertain significance. Last evaluated: 2015-11-11. Review status: criteria provided, single submitter. Criteria: LMM Criteria. Collection method: clinical testing. Allele origin: germline. Observed: 1 variant allele.
Comment: The p.Arg13618Leu variant in TTN has not been previously reported in individuals with cardiomyopathy and was absent from large population studies. Computationa l prediction tools and conservation analysis do not provide strong support for o r against an impact to the protein. In summary, the clinical significance of the p.Arg13618Leu variant is uncertain.

NM_001267550.2(TTN):c.48557G>T (p.Arg16186Leu)

Genes: TTN (titin; minus strand), TTN-AS1 (TTN antisense RNA 1; plus strand). Cytogenetic location: 2q31.2.
Variant type: single nucleotide variant.
Coding change: c.48557G>T on transcript NM_001267550.2 (MANE Select); coding-DNA position 48557, G replaced by T.
Protein change: p.Arg16186Leu; replaces arginine 16186 with leucine.
Molecular consequence: missense variant.
Genome position (GRCh38, 1-based): chr2:178,615,388, C>A on the plus strand (G>T on the coding strand, the complement: TTN is on the minus strand). VCF-style: chr2-178615388-C-A. GRCh37 (hg19) VCF-style: chr2-179480115-C-A.
Other names: c.40853G>T, p.Arg13618Leu (NM_133378.4); c.43634G>T, p.Arg14545Leu (NM_001256850.1); c.21362G>T, p.Arg7121Leu (NM_003319.4); c.21737G>T, p.Arg7246Leu (NM_133432.3); c.21938G>T, p.Arg7313Leu (NM_133437.4); short protein forms R13618L, R16186L, R14545L, R7246L, R7313L, R7121L.
Identifiers: ClinVar variation 229445 (VCV000229445.20), dbSNP rs769784536, ClinGen allele CA10576522.